The following is an entry in ClinVar:

ClinVar aggregate classification (germline): Uncertain significance. Review status: criteria provided, multiple submitters, no conflicts (2 of 4 stars). 3 submissions from 3 submitters: Uncertain significance (3). Last evaluated 2025-04-29.

Conditions:
Inborn genetic diseases. Identifiers: MedGen C0950123, MeSH D030342.
Charcot-Marie-Tooth disease axonal type 2C (HMSN2C). Also called: Charcot-Marie-Tooth Disease Type 2, TRPV4-Related (CMT2C); CHARCOT-MARIE-TOOTH DISEASE, AXONAL, AUTOSOMAL DOMINANT, TYPE 2C; Charcot-Marie-Tooth Neuropathy Type 2C. Identifiers: Orphanet 99937, MedGen C1853710, MONDO:0011633, OMIM 606071.

Allele frequency attached by ClinVar (database versions not stated): gnomAD exomes below 0.00001.
gnomAD v4.1: 1 of 1,614,108 alleles (0.000062%); highest among the groups gnomAD compares: South Asian, 0.0011%; no homozygotes.

Submissions (3):

Revvity Omics, Revvity
Classification: Uncertain significance. Last evaluated: 2025-04-29. Review status: criteria provided, single submitter. Criteria: ACMG Guidelines, 2015. Collection method: clinical testing. Allele origin: germline.

Ambry Genetics
Classification: Uncertain significance for Inborn genetic diseases. Last evaluated: 2023-09-20. Review status: criteria provided, single submitter. Criteria: Ambry Variant Classification Scheme 2023. Collection method: clinical testing. Allele origin: germline.

Labcorp Genetics (formerly Invitae), Labcorp
Classification: Uncertain significance for Charcot-Marie-Tooth disease axonal type 2C. Last evaluated: 2022-10-31. Review status: criteria provided, single submitter. Criteria: Invitae Variant Classification Sherloc (09022015). Collection method: clinical testing. Allele origin: germline.
Comment: This variant is present in population databases (no rsID available, gnomAD 0.003%). In summary, the available evidence is currently insufficient to determine the role of this variant in disease. Therefore, it has been classified as a Variant of Uncertain Significance. Advanced modeling of protein sequence and biophysical properties (such as structural, functional, and spatial information, amino acid conservation, physicochemical variation, residue mobility, and thermodynamic stability) performed at Invitae indicates that this missense variant is not expected to disrupt TRPV4 protein function. This variant has not been reported in the literature in individuals affected with TRPV4-related conditions. This sequence change replaces proline, which is neutral and non-polar, with serine, which is neutral and polar, at codon 80 of the TRPV4 protein (p.Pro80Ser).

NM_021625.5(TRPV4):c.238C>T (p.Pro80Ser)

Gene: TRPV4 (transient receptor potential cation channel subfamily V member 4; minus strand). Cytogenetic location: 12q24.11.
Variant type: single nucleotide variant.
Coding change: c.238C>T on transcript NM_021625.5 (MANE Select); coding-DNA position 238, C replaced by T.
Protein change: p.Pro80Ser; replaces proline 80 with serine.
Molecular consequence: missense variant.
Genome position (GRCh38, 1-based): chr12:109,814,559, G>A on the plus strand (C>T on the coding strand, the complement: TRPV4 is on the minus strand). VCF-style: chr12-109814559-G-A. GRCh37 (hg19) VCF-style: chr12-110252364-G-A.
Other names: c.238C>T, p.Pro80Ser (NM_001177428.2, NM_001177433.2, NM_147204.3); c.136C>T, p.Pro46Ser (NM_001177431.2); short protein forms P46S, P80S.
Identifiers: ClinVar variation 2741720 (VCV002741720.5), dbSNP rs943850514, ClinGen allele CA386660532.